The following is an entry in ClinVar:

NM_005359.6(SMAD4):c.1550G>A (p.Ser517Asn)

Gene: SMAD4 (SMAD family member 4; plus strand). Cytogenetic location: 18q21.2.
Variant type: single nucleotide variant.
Coding change: c.1550G>A on transcript NM_005359.6 (MANE Select); coding-DNA position 1550, G replaced by A.
Protein change: p.Ser517Asn; replaces serine 517 with asparagine.
Molecular consequence: missense variant.
Genome position (GRCh38, 1-based): chr18:51,078,358, G>A. VCF-style: chr18-51078358-G-A. GRCh37 (hg19) VCF-style: chr18-48604728-G-A.
Other names: short protein forms S517N.
Identifiers: ClinVar variation 890155 (VCV000890155.12), dbSNP rs1910523061, ClinGen allele CA402466012.

ClinVar aggregate classification (germline): Uncertain significance. Review status: criteria provided, multiple submitters, no conflicts (2 of 4 stars). 6 submissions from 4 submitters: Uncertain significance (6). Last evaluated 2024-04-03.

Conditions:
Familial thoracic aortic aneurysm and aortic dissection (TAAD). Also called: Thoracic aortic aneurysms and dissections. Identifiers: Orphanet 91387, MedGen C4707243, MONDO:0019625.
Hereditary cancer-predisposing syndrome. Also called: Neoplastic Syndromes, Hereditary; Hereditary neoplastic syndrome; Tumor predisposition; Hereditary Cancer Syndrome. Identifiers: Orphanet 140162, MedGen C0027672, MeSH D009386, MONDO:0015356.
Juvenile polyposis syndrome (JPS). Identifiers: Orphanet 2929, MedGen C0345893, MONDO:0017380, OMIM 174900.
Myhre syndrome (MYHRS). Also called: LARYNGOTRACHEAL STENOSIS, ARTHROPATHY, PROGNATHISM, AND SHORT STATURE; LAPS SYNDROME. Identifiers: Orphanet 2588, MedGen C0796081, MONDO:0007688, OMIM 139210.
Juvenile polyposis/hereditary hemorrhagic telangiectasia syndrome (JPHT). Also called: POLYPOSIS, GENERALIZED JUVENILE, WITH PULMONARY ARTERIOVENOUS MALFORMATION; TELANGIECTASIA, HEREDITARY HEMORRHAGIC, WITH JUVENILE POLYPOSIS COLI; Juvenile Polyposis Syndrome / Hereditary Hemorrhagic Telangiectasia (JPS/HHT); JP/HHT SYNDROME; JUVENILE POLYPOSIS WITH HEREDITARY HEMORRHAGIC TELANGIECTASIA. Identifiers: Orphanet 2929, MedGen C1832942, MONDO:0008278, OMIM 175050.
Familial pancreatic carcinoma. Identifiers: Orphanet 1333, MedGen C2931038, MONDO:0015278, OMIM 260350.
Generalized juvenile polyposis/juvenile polyposis coli. Also called: Juvenile polyposis coli. Identifiers: Orphanet 329971, MedGen C1868081, MONDO:0008276.

Allele frequency attached by ClinVar (database versions not stated): gnomAD exomes below 0.00001.
gnomAD v4.1: 1 of 1,614,192 alleles (0.000062%); highest among the groups gnomAD compares: Non-Finnish European, 0.000085%; no homozygotes.

Submissions (6):

Fulgent Genetics
Classification: Uncertain significance for Myhre syndrome; Juvenile polyposis syndrome; Juvenile polyposis/hereditary hemorrhagic telangiectasia syndrome; Familial pancreatic carcinoma. Last evaluated: 2024-04-03. Review status: criteria provided, single submitter. Criteria: ACMG Guidelines, 2015. Collection method: clinical testing. Allele origin: germline.

Ambry Genetics
Classification: Uncertain significance for Hereditary cancer-predisposing syndrome; Familial thoracic aortic aneurysm and aortic dissection. Last evaluated: 2024-03-14. Review status: criteria provided, single submitter. Criteria: Ambry Variant Classification Scheme 2023. Collection method: clinical testing. Allele origin: germline.
Comment: The p.S517N variant (also known as c.1550G>A), located in coding exon 11 of the SMAD4 gene, results from a G to A substitution at nucleotide position 1550. The serine at codon 517 is replaced by asparagine, an amino acid with highly similar properties. This amino acid position is highly conserved in available vertebrate species. In addition, the in silico prediction for this alteration is inconclusive. Based on the available evidence, the clinical significance of this alteration remains unclear.

Labcorp Genetics (formerly Invitae), Labcorp
Classification: Uncertain significance for Juvenile polyposis syndrome. Last evaluated: 2021-12-17. Review status: criteria provided, single submitter. Criteria: Invitae Variant Classification Sherloc (09022015). Collection method: clinical testing. Allele origin: germline.
Comment: In summary, the available evidence is currently insufficient to determine the role of this variant in disease. Therefore, it has been classified as a Variant of Uncertain Significance. Advanced modeling of protein sequence and biophysical properties (such as structural, functional, and spatial information, amino acid conservation, physicochemical variation, residue mobility, and thermodynamic stability) performed at Invitae indicates that this missense variant is not expected to disrupt SMAD4 protein function. ClinVar contains an entry for this variant (Variation ID: 890155). This variant has not been reported in the literature in individuals affected with SMAD4-related conditions. This variant is not present in population databases (gnomAD no frequency). This sequence change replaces serine, which is neutral and polar, with asparagine, which is neutral and polar, at codon 517 of the SMAD4 protein (p.Ser517Asn).

Illumina Laboratory Services, Illumina
Classification: Uncertain significance for Juvenile polyposis syndrome. Last evaluated: 2018-01-13. Review status: criteria provided, single submitter. Criteria: ICSL Variant Classification Criteria 13 December 2019. Collection method: clinical testing. Allele origin: germline.

Illumina Laboratory Services, Illumina
Classification: Uncertain significance for Juvenile polyposis/hereditary hemorrhagic telangiectasia syndrome. Last evaluated: 2018-01-13. Review status: criteria provided, single submitter. Criteria: ICSL Variant Classification Criteria 13 December 2019. Collection method: clinical testing. Allele origin: germline.

Illumina Laboratory Services, Illumina
Classification: Uncertain significance for Myhre syndrome. Last evaluated: 2018-01-13. Review status: criteria provided, single submitter. Criteria: ICSL Variant Classification Criteria 13 December 2019. Collection method: clinical testing. Allele origin: germline.